The following is an entry in ClinVar:

NM_152564.5(VPS13B):c.1603G>A (p.Ala535Thr)

Gene: VPS13B (vacuolar protein sorting 13 homolog B; plus strand). Cytogenetic location: 8q22.2.
Variant type: single nucleotide variant.
Coding change: c.1603G>A on transcript NM_152564.5 (MANE Select); coding-DNA position 1603, G replaced by A.
Protein change: p.Ala535Thr; replaces alanine 535 with threonine.
Molecular consequence: missense variant.
Genome position (GRCh38, 1-based): chr8:99,136,704, G>A. VCF-style: chr8-99136704-G-A. GRCh37 (hg19) VCF-style: chr8-100148932-G-A.
Other names: c.1603G>A (NM_017890.3, NM_152564.4); c.1603G>A, p.Ala535Thr (NM_015243.3, NM_017890.5); short protein forms A535T.
Identifiers: ClinVar variation 1055220 (VCV001055220.12), dbSNP rs1350243430, ClinGen allele CA371863495.

ClinVar aggregate classification (germline): Uncertain significance. Review status: criteria provided, multiple submitters, no conflicts (2 of 4 stars). 4 submissions from 4 submitters: Uncertain significance (3). 1 of the submissions does not count toward it. Last evaluated 2025-11-17.

Conditions:
Inborn genetic diseases. Identifiers: MedGen C0950123, MeSH D030342.
VPS13B-related disorder. Also called: VPS13B-related condition.
Cohen syndrome (COH1). Also called: Cutis verticis gyrata, retinitis pigmentosa, and sensorineural deafness; PEPPER SYNDROME. Identifiers: Orphanet 193, MedGen C0265223, MONDO:0008999, OMIM 216550.

Allele frequency attached by ClinVar (database versions not stated): gnomAD exomes below 0.00001; gnomAD 0.00001.
gnomAD v4.1: 2 of 1,613,474 alleles (0.00012%); highest among the groups gnomAD compares: African/African-American, 0.0013%; no homozygotes.

Submissions (4):

PreventionGenetics, part of Exact Sciences
Classification: Uncertain significance for VPS13B-related condition. Last evaluated: 2025-11-17. Review status: criteria provided, single submitter. Criteria: ACMG Guidelines, 2015. Collection method: clinical testing. Allele origin: germline.
Comment: The VPS13B c.1603G>A variant is predicted to result in the amino acid substitution p.Ala535Thr. To our knowledge, this variant has not been reported in the literature. This variant is reported in 0.0040% of alleles in individuals of African descent in gnomAD. At this time, the clinical significance of this variant is uncertain due to the absence of conclusive functional and genetic evidence.

Ambry Genetics
Classification: Uncertain significance for Inborn genetic diseases. Last evaluated: 2025-10-21. Review status: criteria provided, single submitter. Criteria: Ambry Variant Classification Scheme 2023. Collection method: clinical testing. Allele origin: germline.

Labcorp Genetics (formerly Invitae), Labcorp
Classification: Uncertain significance for Cohen syndrome. Last evaluated: 2023-08-04. Review status: criteria provided, single submitter. Criteria: Invitae Variant Classification Sherloc (09022015). Collection method: clinical testing. Allele origin: germline.
Comment: In summary, the available evidence is currently insufficient to determine the role of this variant in disease. Therefore, it has been classified as a Variant of Uncertain Significance. Advanced modeling of protein sequence and biophysical properties (such as structural, functional, and spatial information, amino acid conservation, physicochemical variation, residue mobility, and thermodynamic stability) performed at Invitae indicates that this missense variant is expected to disrupt VPS13B protein function. ClinVar contains an entry for this variant (Variation ID: 1055220). This variant has not been reported in the literature in individuals affected with VPS13B-related conditions. This variant is present in population databases (no rsID available, gnomAD 0.004%). This sequence change replaces alanine, which is neutral and non-polar, with threonine, which is neutral and polar, at codon 535 of the VPS13B protein (p.Ala535Thr).

Natera, Inc.
Classification: Uncertain significance for Cohen syndrome. Last evaluated: 2021-05-17. Review status: no assertion criteria provided. Collection method: clinical testing. Allele origin: germline. Not counted in ClinVar's aggregate classification.